The following is an entry in ClinVar:

NM_016239.4(MYO15A):c.7118-2A>C

Gene: MYO15A (myosin XVA; plus strand). Cytogenetic location: 17p11.2.
Variant type: single nucleotide variant.
Coding change: c.7118-2A>C on transcript NM_016239.4 (MANE Select); the canonical splice acceptor site of the intron before coding-DNA position 7118, A replaced by C.
Molecular consequence: splice acceptor variant.
Genome position (GRCh38, 1-based): chr17:18,149,484, A>C. VCF-style: chr17-18149484-A-C. GRCh37 (hg19) VCF-style: chr17-18052798-A-C.
Identifiers: ClinVar variation 2867868 (VCV002867868.3), dbSNP rs2545280961, ClinGen allele CA398614750.

ClinVar aggregate classification (germline): Likely pathogenic (1 of 4 stars; one submission).

Submission:

Labcorp Genetics (formerly Invitae), Labcorp
Classification: Likely pathogenic. Last evaluated: 2023-12-05. Review status: criteria provided, single submitter. Criteria: Invitae Variant Classification Sherloc (09022015). Collection method: clinical testing. Allele origin: germline.
Comment: This sequence change affects an acceptor splice site in intron 34 of the MYO15A gene. It is expected to disrupt RNA splicing. Variants that disrupt the donor or acceptor splice site typically lead to a loss of protein function (PMID: 16199547), and loss-of-function variants in MYO15A are known to be pathogenic (PMID: 17546645). This variant is not present in population databases (gnomAD no frequency). This variant has not been reported in the literature in individuals affected with MYO15A-related conditions. Algorithms developed to predict the effect of sequence changes on RNA splicing suggest that this variant may disrupt the consensus splice site. In summary, the currently available evidence indicates that the variant is pathogenic, but additional data are needed to prove that conclusively. Therefore, this variant has been classified as Likely Pathogenic.

Literature cited by the submitters: PubMed 16199547; PubMed 17546645.